The following is an entry in ClinVar:

ClinVar aggregate classification (germline): Uncertain significance. Review status: criteria provided, multiple submitters, no conflicts (2 of 4 stars). 2 submissions from 2 submitters: Uncertain significance (2). Last evaluated 2026-05-15.

Conditions:
Polycystic kidney disease, adult type (PKD1). Also called: Polycystic Kidney, Autosomal Dominant; POLYCYSTIC KIDNEY DISEASE, ADULT, TYPE I; Polycystic Kidney Disease 1, Autosomal Dominant; Polycystic kidney disease 1; Polycystic kidney disease 1, severe; POLYCYSTIC KIDNEY DISEASE 1 WITH OR WITHOUT POLYCYSTIC LIVER DISEASE. Identifiers: MedGen C3149841, MONDO:0008263, OMIM 173900.

Submissions (2):

Women's Health and Genetics/Laboratory Corporation of America, LabCorp
Classification: Uncertain significance. Last evaluated: 2026-05-15. Review status: criteria provided, single submitter. Criteria: LabCorp Variant Classification Summary - May 2015. Collection method: clinical testing. Allele origin: germline.
Comment: Variant summary: PKD1 c.11016+5G>A alters a conserved nucleotide located close to a canonical splice site and therefore could affect mRNA splicing, leading to a significantly altered protein sequence. Several computational tools predict a significant impact on normal splicing: Two predict the variant abolishes a 5' splicing donor site. Two predict the variant weakens a 5' donor site. However, these predictions have yet to be confirmed by functional studies. The variant was absent in 218452 control chromosomes (gnomAD). The available data on variant occurrences in the general population are insufficient to allow any conclusion about variant significance. To our knowledge, no occurrence of c.11016+5G>A in individuals affected with PKD1-related conditions and no experimental evidence demonstrating its impact on protein function have been reported. ClinVar contains an entry for this variant (Variation ID: 4796604). Based on the evidence outlined above, the variant was classified as uncertain significance.

Juno Genomics, Hangzhou Juno Genomics, Inc
Classification: Uncertain significance for Polycystic kidney disease, adult type. Review status: criteria provided, single submitter. Criteria: ACMG Guidelines, 2015. Collection method: clinical testing. Allele origin: germline. Affected: yes.
Comment: Absent from controls (or at extremely low frequency if recessive) in Genome Aggregation Database, Exome Sequencing Project, 1000 Genomes Project, or Exome Aggregation Consortium.;Multiple lines of computational evidence support a deleterious effect on the gene or gene product (conservation, evolutionary, splicing impact, etc).;Patient's phenotype or family history is highly specific for a disease with a single genetic etiology.

NM_001009944.3(PKD1):c.11016+5G>A

Genes: PKD1 (polycystin 1, transient receptor potential channel interacting; minus strand), PKD1-AS1 (PKD1 antisense RNA 1; plus strand). Cytogenetic location: 16p13.3.
Variant type: single nucleotide variant.
Coding change: c.11016+5G>A on transcript NM_001009944.3 (MANE Select); 5 bases into the intron after coding-DNA position 11016, G replaced by A.
Molecular consequence: intron variant.
Genome position (GRCh38, 1-based): chr16:2,093,539, C>T on the plus strand (G>A on the coding strand, the complement: PKD1 is on the minus strand). VCF-style: chr16-2093539-C-T. GRCh37 (hg19) VCF-style: chr16-2143540-C-T.
Other names: c.11013+5G>A (NM_000296.4).
Identifiers: ClinVar variation 4796604 (VCV004796604.2).